The following is an entry in ClinVar:

NM_001231.5(CASQ1):c.706A>G (p.Met236Val)

Gene: CASQ1 (calsequestrin 1; plus strand). Cytogenetic location: 1q23.2.
Variant type: single nucleotide variant.
Coding change: c.706A>G on transcript NM_001231.5 (MANE Select); coding-DNA position 706, A replaced by G.
Protein change: p.Met236Val; replaces methionine 236 with valine.
Molecular consequence: missense variant.
Genome position (GRCh38, 1-based): chr1:160,195,951, A>G. VCF-style: chr1-160195951-A-G. GRCh37 (hg19) VCF-style: chr1-160165741-A-G.
Other names: short protein forms M236V.
Identifiers: ClinVar variation 3485281 (VCV003485281.1).

ClinVar aggregate classification (germline): Uncertain significance (1 of 4 stars; one submission).

Conditions:
Inborn genetic diseases. Identifiers: MedGen C0950123, MeSH D030342.

gnomAD v4.1: 1 of 1,614,056 alleles (0.000062%); highest among the groups gnomAD compares: South Asian, 0.0011%; no homozygotes.

Submission:

Ambry Genetics
Classification: Uncertain significance for Inborn genetic diseases. Last evaluated: 2024-11-23. Review status: criteria provided, single submitter. Criteria: Ambry Variant Classification Scheme 2023. Collection method: clinical testing. Allele origin: germline.
Comment: The p.M236V variant (also known as c.706A>G), located in coding exon 6 of the CASQ1 gene, results from an A to G substitution at nucleotide position 706. The methionine at codon 236 is replaced by valine, an amino acid with highly similar properties. This amino acid position is conserved. In addition, the in silico prediction for this alteration is inconclusive. Based on the available evidence, the clinical significance of this variant remains unclear.